The following is an entry in ClinVar:

ClinVar aggregate classification (germline): Uncertain significance (1 of 4 stars; one submission).

Allele frequency attached by ClinVar (database versions not stated): ExAC 0.00001.

Submission:

Labcorp Genetics (formerly Invitae), Labcorp
Classification: Uncertain significance. Last evaluated: 2022-10-05. Review status: criteria provided, single submitter. Criteria: Invitae Variant Classification Sherloc (09022015). Collection method: clinical testing. Allele origin: germline.
Comment: Advanced modeling of protein sequence and biophysical properties (such as structural, functional, and spatial information, amino acid conservation, physicochemical variation, residue mobility, and thermodynamic stability) performed at Invitae indicates that this missense variant is expected to disrupt KCNH1 protein function. In summary, the available evidence is currently insufficient to determine the role of this variant in disease. Therefore, it has been classified as a Variant of Uncertain Significance. This variant has not been reported in the literature in individuals affected with KCNH1-related conditions. This variant is not present in population databases (gnomAD no frequency). This sequence change replaces asparagine, which is neutral and polar, with serine, which is neutral and polar, at codon 247 of the KCNH1 protein (p.Asn247Ser).

NM_172362.3(KCNH1):c.740A>G (p.Asn247Ser)

Gene: KCNH1 (potassium voltage-gated channel subfamily H member 1; minus strand). Cytogenetic location: 1q32.2.
Variant type: single nucleotide variant.
Coding change: c.740A>G on transcript NM_172362.3 (MANE Select); coding-DNA position 740, A replaced by G.
Protein change: p.Asn247Ser; replaces asparagine 247 with serine.
Molecular consequence: missense variant.
Genome position (GRCh38, 1-based): chr1:211,019,075, T>C on the plus strand (A>G on the coding strand, the complement: KCNH1 is on the minus strand). VCF-style: chr1-211019075-T-C. GRCh37 (hg19) VCF-style: chr1-211192417-T-C.
Other names: c.740A>G, p.Asn247Ser (NM_002238.4); short protein forms N247S.
Identifiers: ClinVar variation 1721052 (VCV001721052.5), dbSNP rs771008535, ClinGen allele CA1379970.